The following is an entry in ClinVar:

ClinVar aggregate classification (germline): Uncertain significance (1 of 4 stars; one submission).

Conditions:
Alstrom syndrome (ALMS). Identifiers: Orphanet 64, MedGen C0268425, MONDO:0008763, OMIM 203800.

Allele frequency attached by ClinVar (database versions not stated): gnomAD exomes below 0.00001; TOPMed below 0.00001; gnomAD 0.00001.
gnomAD v4.1: 3 of 1,613,952 alleles (0.00019%); highest among the groups gnomAD compares: Non-Finnish European, 0.00025%; no homozygotes.

Submission:

Labcorp Genetics (formerly Invitae), Labcorp
Classification: Uncertain significance for Alstrom syndrome. Last evaluated: 2021-12-23. Review status: criteria provided, single submitter. Criteria: Invitae Variant Classification Sherloc (09022015). Collection method: clinical testing. Allele origin: germline.
Comment: This sequence change replaces glycine, which is neutral and non-polar, with arginine, which is basic and polar, at codon 418 of the ALMS1 protein (p.Gly418Arg). This variant is present in population databases (no rsID available, gnomAD 0.002%). This variant has not been reported in the literature in individuals affected with ALMS1-related conditions. Experimental studies and prediction algorithms are not available or were not evaluated, and the functional significance of this variant is currently unknown. In summary, the available evidence is currently insufficient to determine the role of this variant in disease. Therefore, it has been classified as a Variant of Uncertain Significance.

NM_001378454.1(ALMS1):c.1249G>A (p.Gly417Arg)

Gene: ALMS1 (ALMS1 centrosome and basal body associated protein; plus strand). Cytogenetic location: 2p13.1.
Variant type: single nucleotide variant.
Coding change: c.1249G>A on transcript NM_001378454.1 (MANE Select); coding-DNA position 1249, G replaced by A.
Protein change: p.Gly417Arg; replaces glycine 417 with arginine.
Molecular consequence: missense variant.
Genome position (GRCh38, 1-based): chr2:73,426,464, G>A. VCF-style: chr2-73426464-G-A. GRCh37 (hg19) VCF-style: chr2-73653592-G-A.
Other names: c.1252G>A, p.Gly418Arg (NM_015120.4); short protein forms G418R, G417R.
Identifiers: ClinVar variation 2183342 (VCV002183342.4), dbSNP rs1169373090, ClinGen allele CA347261835.